The following is an entry in ClinVar:

ClinVar aggregate classification (germline): Uncertain significance (1 of 4 stars; one submission).

Submission:

GeneDx
Classification: Uncertain significance. Last evaluated: 2024-11-20. Review status: criteria provided, single submitter. Criteria: GeneDx Variant Classification Process June 2021. Collection method: clinical testing. Allele origin: germline. Affected: yes.
Comment: Not observed at significant frequency in large population cohorts (gnomAD); In silico analysis indicates that this missense variant does not alter protein structure/function; Has not been previously published as pathogenic or benign to our knowledge

NM_001330574.2(ZNF711):c.1898A>G (p.His633Arg)

Gene: ZNF711 (zinc finger protein 711; plus strand). Cytogenetic location: Xq21.1.
Variant type: single nucleotide variant.
Coding change: c.1898A>G on transcript NM_001330574.2 (MANE Select); coding-DNA position 1898, A replaced by G.
Protein change: p.His633Arg; replaces histidine 633 with arginine.
Molecular consequence: missense variant.
Genome position (GRCh38, 1-based): chrX:85,271,302, A>G. VCF-style: chrX-85271302-A-G. GRCh37 (hg19) VCF-style: chrX-84526308-A-G.
Other names: c.1898A>G, p.His633Arg (NM_001375431.1, NM_001375432.1, NM_001375433.1); c.1760A>G, p.His587Arg (NM_001375434.1, NM_001375435.1, NM_001375436.1 and 2 more transcripts); short protein forms H587R, H633R.
Identifiers: ClinVar variation 3900414 (VCV003900414.1).